The following is an entry in ClinVar:

NM_018006.5(TRMU):c.1232C>T (p.Pro411Leu)

Gene: TRMU (tRNA mitochondrial 2-thiouridylase; plus strand). Cytogenetic location: 22q13.31.
Variant type: single nucleotide variant.
Coding change: c.1232C>T on transcript NM_018006.5 (MANE Select); coding-DNA position 1232, C replaced by T.
Protein change: p.Pro411Leu; replaces proline 411 with leucine.
Molecular consequence: missense variant. On other transcripts: 3 prime UTR variant (2), non-coding transcript variant (2).
Genome position (GRCh38, 1-based): chr22:46,356,972, C>T. VCF-style: chr22-46356972-C-T. GRCh37 (hg19) VCF-style: chr22-46752869-C-T.
Other names: c.*676C>T (NM_001008568.2); c.*770C>T (NM_001008570.2); c.890C>T, p.Pro297Leu (NM_001282782.2); c.812C>T, p.Pro271Leu (NM_001282783.2); c.*18C>T (NM_001282784.2, NM_001282785.2); c.1232C>T (NM_018006.4); short protein forms P297L, P411L, P271L.
Identifiers: ClinVar variation 2142423 (VCV002142423.3), dbSNP rs990096926, ClinGen allele CA325128337.

ClinVar aggregate classification (germline): Uncertain significance. Review status: criteria provided, multiple submitters, no conflicts (2 of 4 stars). 3 submissions from 3 submitters: Uncertain significance (3). Last evaluated 2024-12-25.

Conditions:
Inborn genetic diseases. Identifiers: MedGen C0950123, MeSH D030342.
TRMU-related disorder. Also called: TRMU-related condition.

Allele frequency attached by ClinVar (database versions not stated): gnomAD exomes 0.00001; gnomAD 0.00003; TOPMed 0.00003.

Submissions (3):

Ambry Genetics
Classification: Uncertain significance for Inborn genetic diseases. Last evaluated: 2024-12-25. Review status: criteria provided, single submitter. Criteria: Ambry Variant Classification Scheme 2023. Collection method: clinical testing. Allele origin: germline.

PreventionGenetics, part of Exact Sciences
Classification: Uncertain significance for TRMU-related condition. Last evaluated: 2023-09-25. Review status: criteria provided, single submitter. Criteria: ACMG Guidelines, 2015. Collection method: clinical testing. Allele origin: germline.
Comment: The TRMU c.1232C>T variant is predicted to result in the amino acid substitution p.Pro411Leu. To our knowledge, this variant has not been reported in the literature. This variant is reported in 0.00078% of alleles in individuals of European (Non-Finnish) descent in gnomAD. At this time, the clinical significance of this variant is uncertain due to the absence of conclusive functional and genetic evidence.

Labcorp Genetics (formerly Invitae), Labcorp
Classification: Uncertain significance. Last evaluated: 2021-09-17. Review status: criteria provided, single submitter. Criteria: Invitae Variant Classification Sherloc (09022015). Collection method: clinical testing. Allele origin: germline.
Comment: This sequence change replaces proline with leucine at codon 411 of the TRMU protein (p.Pro411Leu). The proline residue is weakly conserved and there is a moderate physicochemical difference between proline and leucine. This variant is not present in population databases (ExAC no frequency). This variant has not been reported in the literature in individuals affected with TRMU-related conditions. Algorithms developed to predict the effect of missense changes on protein structure and function (SIFT, PolyPhen-2, Align-GVGD) all suggest that this variant is likely to be tolerated. In summary, the available evidence is currently insufficient to determine the role of this variant in disease. Therefore, it has been classified as a Variant of Uncertain Significance.